The following is an entry in ClinVar:

ClinVar aggregate classification (germline): Uncertain significance (1 of 4 stars; one submission).

Conditions:
Dyskeratosis congenita. Identifiers: Orphanet 1775, MedGen C0265965, MONDO:0015780.

Submission:

Labcorp Genetics (formerly Invitae), Labcorp
Classification: Uncertain significance for Dyskeratosis congenita. Last evaluated: 2023-09-30. Review status: criteria provided, single submitter. Criteria: Invitae Variant Classification Sherloc (09022015). Collection method: clinical testing. Allele origin: germline.
Comment: In summary, the available evidence is currently insufficient to determine the role of this variant in disease. Therefore, it has been classified as a Variant of Uncertain Significance. Algorithms developed to predict the effect of sequence changes on RNA splicing suggest that this variant may disrupt the consensus splice site. This variant has not been reported in the literature in individuals affected with DKC1-related conditions. This variant is not present in population databases (gnomAD no frequency). This sequence change affects codon 247 of the DKC1 mRNA. It is a 'silent' change, meaning that it does not change the encoded amino acid sequence of the DKC1 protein.

NM_001363.5(DKC1):c.739C>A (p.Arg247=)

Gene: DKC1 (dyskerin pseudouridine synthase 1; plus strand). Cytogenetic location: Xq28.
Variant type: single nucleotide variant.
Coding change: c.739C>A on transcript NM_001363.5 (MANE Select); coding-DNA position 739, C replaced by A.
Protein change: p.Arg247=; no amino-acid change (arginine 247 retained).
Molecular consequence: synonymous variant. On other transcripts: non-coding transcript variant (3).
Genome position (GRCh38, 1-based): chrX:154,768,400, C>A. VCF-style: chrX-154768400-C-A. GRCh37 (hg19) VCF-style: chrX-153996675-C-A.
Other names: c.739C>A, p.Arg247= (NM_001142463.3, NM_001288747.2).
Identifiers: ClinVar variation 2808638 (VCV002808638.3), dbSNP rs2523688410, ClinGen allele CA519355420.